The following is an entry in ClinVar:

ClinVar aggregate classification (germline): Uncertain significance. Review status: criteria provided, multiple submitters, no conflicts (2 of 4 stars). 3 submissions from 3 submitters: Uncertain significance (3). Last evaluated 2025-05-12.

Conditions:
Inborn genetic diseases. Identifiers: MedGen C0950123, MeSH D030342.
Brachydactyly type B1 (BDB1). Identifiers: Orphanet 572385, Orphanet 93383, MedGen C1862112, MONDO:0007220, OMIM 113000.
Autosomal recessive Robinow syndrome (RRS1). Also called: COSTOVERTEBRAL SEGMENTATION DEFECT WITH MESOMELIA; COVESDEM SYNDROME; ROR2-Related Robinow Syndrome; ROBINOW SYNDROME, AUTOSOMAL RECESSIVE 1. Identifiers: Orphanet 1507, Orphanet 97360, MedGen C5399974, MONDO:0009999, OMIM 268310.

Allele frequency attached by ClinVar (database versions not stated): ExAC 0.00002; gnomAD 0.00003 and 0.00004; gnomAD exomes 0.00004; TOPMed 0.00004.

Submissions (3):

Labcorp Genetics (formerly Invitae), Labcorp
Classification: Uncertain significance. Last evaluated: 2025-05-12. Review status: criteria provided, single submitter. Criteria: Invitae Variant Classification Sherloc (09022015). Collection method: clinical testing. Allele origin: germline.
Comment: This sequence change replaces arginine, which is basic and polar, with glutamine, which is neutral and polar, at codon 638 of the ROR2 protein (p.Arg638Gln). This variant is present in population databases (rs765278167, gnomAD 0.01%). This variant has not been reported in the literature in individuals affected with ROR2-related conditions. ClinVar contains an entry for this variant (Variation ID: 1402192). Invitae Evidence Modeling of protein sequence and biophysical properties (such as structural, functional, and spatial information, amino acid conservation, physicochemical variation, residue mobility, and thermodynamic stability) indicates that this missense variant is not expected to disrupt ROR2 protein function with a negative predictive value of 80%. In summary, the available evidence is currently insufficient to determine the role of this variant in disease. Therefore, it has been classified as a Variant of Uncertain Significance.

Ambry Genetics
Classification: Uncertain significance for Inborn genetic diseases. Last evaluated: 2025-02-04. Review status: criteria provided, single submitter. Criteria: Ambry Variant Classification Scheme 2023. Collection method: clinical testing. Allele origin: germline.

Fulgent Genetics
Classification: Uncertain significance for Brachydactyly type B1; Autosomal recessive Robinow syndrome. Last evaluated: 2021-11-15. Review status: criteria provided, single submitter. Criteria: ACMG Guidelines, 2015. Collection method: clinical testing. Allele origin: unknown.

NM_004560.4(ROR2):c.1913G>A (p.Arg638Gln)

Gene: ROR2 (receptor tyrosine kinase like orphan receptor 2; minus strand). Cytogenetic location: 9q22.31.
Variant type: single nucleotide variant.
Coding change: c.1913G>A on transcript NM_004560.4 (MANE Select); coding-DNA position 1913, G replaced by A.
Protein change: p.Arg638Gln; replaces arginine 638 with glutamine.
Molecular consequence: missense variant.
Genome position (GRCh38, 1-based): chr9:91,724,581, C>T on the plus strand (G>A on the coding strand, the complement: ROR2 is on the minus strand). VCF-style: chr9-91724581-C-T. GRCh37 (hg19) VCF-style: chr9-94486863-C-T.
Other names: c.1913G>A (NM_004560.3); short protein forms R638Q.
Identifiers: ClinVar variation 1402192 (VCV001402192.10), dbSNP rs765278167, ClinGen allele CA5120535.